The following is an entry in ClinVar:

NM_024642.5(GALNT12):c.249G>A (p.Arg83=)

Gene: GALNT12 (polypeptide N-acetylgalactosaminyltransferase 12; plus strand). Cytogenetic location: 9q22.33.
Variant type: single nucleotide variant.
Coding change: c.249G>A on transcript NM_024642.5 (MANE Select); coding-DNA position 249, G replaced by A.
Protein change: p.Arg83=; no amino-acid change (arginine 83 retained).
Molecular consequence: synonymous variant.
Genome position (GRCh38, 1-based): chr9:98,807,947, G>A. VCF-style: chr9-98807947-G-A. GRCh37 (hg19) VCF-style: chr9-101570229-G-A.
Identifiers: ClinVar variation 1792181 (VCV001792181.3), dbSNP rs1404226575, ClinGen allele CA466647486.

ClinVar aggregate classification (germline): Benign/Likely benign. Review status: criteria provided, multiple submitters, no conflicts (2 of 4 stars). 2 submissions from 2 submitters: Benign (1); Likely benign (1). Last evaluated 2026-04-23.

Conditions:
Colorectal cancer, susceptibility to, 1. Also called: COLORECTAL ADENOMA AND CANCER, SUSCEPTIBILITY TO; COLORECTAL CANCER, SUSCEPTIBILITY TO, ON CHROMOSOME 9. Identifiers: MedGen C1837315, MONDO:0012132, OMIM 608812.

Allele frequency attached by ClinVar (database versions not stated): TOPMed below 0.00001.

Submissions (2):

Myriad Genetics, Inc.
Classification: Benign for Colorectal cancer, susceptibility to, 1. Last evaluated: 2026-04-23. Review status: criteria provided, single submitter. Criteria: Myriad Autosomal Dominant, Autosomal Recessive and X-Linked Classification Criteria (2023). Collection method: clinical testing. Allele origin: unknown.
Comment: This variant is considered benign. This variant is a silent/synonymous amino acid change and it is not expected to impact splicing.

Ambry Genetics
Classification: Likely benign. Last evaluated: 2021-07-21. Review status: criteria provided, single submitter. Criteria: Ambry Variant Classification Scheme 2023. Collection method: clinical testing. Allele origin: germline.